The following is an entry in ClinVar:

NM_018429.3(BDP1):c.3460T>A (p.Ser1154Thr)

Gene: BDP1 (BDP1 general transcription factor IIIB subunit; plus strand). Cytogenetic location: 5q13.2.
Variant type: single nucleotide variant.
Coding change: c.3460T>A on transcript NM_018429.3 (MANE Select); coding-DNA position 3460, T replaced by A.
Protein change: p.Ser1154Thr; replaces serine 1154 with threonine.
Molecular consequence: missense variant.
Genome position (GRCh38, 1-based): chr5:71,510,552, T>A. VCF-style: chr5-71510552-T-A. GRCh37 (hg19) VCF-style: chr5-70806379-T-A.
Other names: short protein forms S1154T.
Identifiers: ClinVar variation 3260758 (VCV003260758.2).
Genomic context (GRCh38, chr5:71,510,552, plus strand): 5'-GTGATTGATGCCACTGAGGAAATAGACAAAGATCTGGAAGAAACTGGAAGAAGAGAAATA[T>A]CCCCAGAGGAAAATGGCCCAGAGGAGGTCAAGCCTGTAGATGAAATGGAGACAGACTTGA-3'
Protein context (NP_060899.2, residues 1144-1164): DLEETGRREI[Ser1154Thr]PEENGPEEVK

ClinVar aggregate classification (germline): Uncertain significance. Review status: criteria provided, multiple submitters, no conflicts (2 of 4 stars). 2 submissions from 2 submitters: Uncertain significance (2). Last evaluated 2025-12-17.

Conditions:
BDP1-related disorder. Also called: BDP1-related condition.

gnomAD v4.1: 65 of 1,613,810 alleles (0.004%); highest among the groups gnomAD compares: South Asian, 0.067%; no homozygotes.

Submissions (2):

PreventionGenetics, part of Exact Sciences
Classification: Uncertain significance for BDP1-related condition. Last evaluated: 2025-12-17. Review status: criteria provided, single submitter. Criteria: ACMG Guidelines, 2015. Collection method: clinical testing. Allele origin: germline.
Comment: The BDP1 c.3460T>A variant is predicted to result in the amino acid substitution p.Ser1154Thr. To our knowledge, this variant has not been reported in the literature. This variant is reported in 0.056% of alleles in individuals of South Asian descent in gnomAD. Although we suspect that this variant may be benign, at this time, the clinical significance of this variant is uncertain due to the absence of conclusive functional and genetic evidence.

Ambry Genetics
Classification: Uncertain significance. Last evaluated: 2024-05-16. Review status: criteria provided, single submitter. Criteria: Ambry Variant Classification Scheme 2023. Collection method: clinical testing. Allele origin: germline.